The following is an entry in ClinVar:

ClinVar aggregate classification (germline): Uncertain significance (1 of 4 stars; one submission).

Submission:

Dasa
Classification: Uncertain significance. Last evaluated: 2025-04-01. Review status: criteria provided, single submitter. Criteria: DASA Assertion Criteria. Collection method: clinical testing. Allele origin: germline.
Comment: NM_005121.3(MED13):c.4596_4625del (p.Leu1533_Ser1542del) is an in-frame deletion predicted to remove amino acids from leucine at protein position 1533 through serine at protein position 1542 without shifting the reading frame. This variant is absent from population databases. The currently available literature and clinical evidence are not sufficient to establish a definitive association between this variant and the reported condition. Therefore, this variant is classified as a variant of uncertain significance.

NM_005121.3(MED13):c.4596_4625del (p.Leu1533_Ser1542del)

Gene: MED13 (mediator complex subunit 13; minus strand). Cytogenetic location: 17q23.2.
Variant type: Deletion.
Coding change: c.4596_4625del on transcript NM_005121.3 (MANE Select); coding-DNA positions 4596 to 4625, 30 bases deleted (TTTGACCACAGCTTCAACTTCATCTTCATC).
Protein change: p.Leu1533_Ser1542del.
Molecular consequence: inframe deletion.
Genome position (GRCh38, 1-based): chr17:61,965,225-61,965,254, GATGAAGATGAAGTTGAAGCTGTGGTCAAA deleted on the plus strand (TTTGACCACAGCTTCAACTTCATCTTCATC on the coding strand, the reverse complement: MED13 is on the minus strand); deleting any 30 consecutive bases within chr17:61,965,225-61,965,255 gives the same sequence; the c. name uses the placement nearest the transcript's 3' end. VCF-style (leftmost placement, unchanged base first): chr17-61965224-TGATGAAGATGAAGTTGAAGCTGTGGTCAAA-T. GRCh37 (hg19) VCF-style: chr17-60042585-TGATGAAGATGAAGTTGAAGCTGTGGTCAAA-T.
Identifiers: ClinVar variation 4884146 (VCV004884146.2).
Genomic context (GRCh38, chr17:61,965,224, plus strand): 5'-GCCAAAGGGTGGAAACGAAGGTAGTTTATTTGATGATACTCCACTATTCAAGTTGGAGGA[TGATGAAGATGAAGTTGAAGCTGTGGTCAAA>T]GTTGAATTAGCTGTGGCAACTGAAGTAGATATGGCAACACCTGAAGTCACTGTCATAGTG-3'